The following is an entry in ClinVar:

ClinVar aggregate classification (germline): Uncertain significance (1 of 4 stars; one submission).

Conditions:
Spastic paraplegia. Identifiers: MedGen C0037772, HP:0001258.

Submission:

Labcorp Genetics (formerly Invitae), Labcorp
Classification: Uncertain significance for Spastic paraplegia. Last evaluated: 2024-12-09. Review status: criteria provided, single submitter. Criteria: Invitae Variant Classification Sherloc (09022015). Collection method: clinical testing. Allele origin: germline.
Comment: This sequence change replaces glycine, which is neutral and non-polar, with valine, which is neutral and non-polar, at codon 102 of the CYP2U1 protein (p.Gly102Val). This variant is not present in population databases (gnomAD no frequency). This variant has not been reported in the literature in individuals affected with CYP2U1-related conditions. ClinVar contains an entry for this variant (Variation ID: 1367574). Invitae Evidence Modeling of protein sequence and biophysical properties (such as structural, functional, and spatial information, amino acid conservation, physicochemical variation, residue mobility, and thermodynamic stability) has been performed for this missense variant. However, the output from this modeling did not meet the statistical confidence thresholds required to predict the impact of this variant on CYP2U1 protein function. In summary, the available evidence is currently insufficient to determine the role of this variant in disease. Therefore, it has been classified as a Variant of Uncertain Significance.

NM_183075.3(CYP2U1):c.305G>T (p.Gly102Val)

Genes: CYP2U1 (cytochrome P450 family 2 subfamily U member 1; plus strand), CYP2U1-AS1 (CYP2U1 and SGMS2 antisense RNA 1; minus strand). Cytogenetic location: 4q25.
Variant type: single nucleotide variant.
Coding change: c.305G>T on transcript NM_183075.3 (MANE Select); coding-DNA position 305, G replaced by T.
Protein change: p.Gly102Val; replaces glycine 102 with valine.
Molecular consequence: missense variant.
Genome position (GRCh38, 1-based): chr4:107,931,948, G>T. VCF-style: chr4-107931948-G-T. GRCh37 (hg19) VCF-style: chr4-108853104-G-T.
Other names: short protein forms G102V.
Identifiers: ClinVar variation 1367574 (VCV001367574.8), dbSNP rs2126188410, ClinGen allele CA357832438.
Genomic context (GRCh38, chr4:107,931,948, plus strand): 5'-GGCGGCGGAGCTGGCTGAGCAGCAGGACCAGGGCCGCAGGGATTGATCCCTCGGTCATAG[G>T]CCCGCAGGTGCTCCTGGCTCACCTAGCCCGCGTGTACGGCAGCATCTTCAGCTTCTTTAT-3'
Protein context (NP_898898.1, residues 92-112): RAAGIDPSVI[Gly102Val]PQVLLAHLAR